The following is an entry in ClinVar:

NM_003331.5(TYK2):c.3076G>A (p.Ala1026Thr)

Gene: TYK2 (tyrosine kinase 2; minus strand). Cytogenetic location: 19p13.2.
Variant type: single nucleotide variant.
Coding change: c.3076G>A on transcript NM_003331.5 (MANE Select); coding-DNA position 3076, G replaced by A.
Protein change: p.Ala1026Thr; replaces alanine 1026 with threonine.
Molecular consequence: missense variant.
Genome position (GRCh38, 1-based): chr19:10,353,050, C>T on the plus strand (G>A on the coding strand, the complement: TYK2 is on the minus strand). VCF-style: chr19-10353050-C-T. GRCh37 (hg19) VCF-style: chr19-10463726-C-T.
Other names: c.3076G>A, p.Ala1026Thr (NM_001385197.1, NM_001385198.1); c.2890G>A, p.Ala964Thr (NM_001385199.1); c.3073G>A, p.Ala1025Thr (NM_001385200.1); c.2878G>A, p.Ala960Thr (NM_001385201.1); c.2992G>A, p.Ala998Thr (NM_001385202.1); c.3157G>A, p.Ala1053Thr (NM_001385203.1); c.3286G>A, p.Ala1096Thr (NM_001385204.1); c.2986G>A, p.Ala996Thr (NM_001385205.1); and 3 more; short protein forms A1020T, A1025T, A1026T, A1053T, A1096T, A960T, A964T, A984T.
Identifiers: ClinVar variation 1008007 (VCV001008007.9), dbSNP rs771434577, ClinGen allele CA9192828.

ClinVar aggregate classification (germline): Uncertain significance. Review status: criteria provided, multiple submitters, no conflicts (2 of 4 stars). 2 submissions from 2 submitters: Uncertain significance (2). Last evaluated 2025-08-09.

Conditions:
Inborn genetic diseases. Identifiers: MedGen C0950123, MeSH D030342.
Immunodeficiency 35 (IMD35). Also called: TYK2 DEFICIENCY; Susceptibility to infection due to TYK2 deficiency; HIES WITH ATYPICAL MYCOBACTERIOSIS, AUTOSOMAL RECESSIVE; HYPER-IgE SYNDROME WITH ATYPICAL MYCOBACTERIOSIS, AUTOSOMAL RECESSIVE. Identifiers: Orphanet 331226, MedGen C1969086, MONDO:0012682, OMIM 611521.

Allele frequency attached by ClinVar (database versions not stated): ExAC 0.00001; gnomAD 0.00001; gnomAD exomes 0.00001; TOPMed 0.00001.
gnomAD v4.1: 15 of 1,589,844 alleles (0.00094%); highest among the groups gnomAD compares: Non-Finnish European, 0.0013%; no homozygotes.

Submissions (2):

Ambry Genetics
Classification: Uncertain significance for Inborn genetic diseases. Last evaluated: 2025-08-09. Review status: criteria provided, single submitter. Criteria: Ambry Variant Classification Scheme 2023. Collection method: clinical testing. Allele origin: germline.

Labcorp Genetics (formerly Invitae), Labcorp
Classification: Uncertain significance for Immunodeficiency 35. Last evaluated: 2022-09-19. Review status: criteria provided, single submitter. Criteria: Invitae Variant Classification Sherloc (09022015). Collection method: clinical testing. Allele origin: germline.
Comment: This sequence change replaces alanine, which is neutral and non-polar, with threonine, which is neutral and polar, at codon 1026 of the TYK2 protein (p.Ala1026Thr). The frequency data for this variant in the population databases is considered unreliable, as metrics indicate poor data quality at this position in the gnomAD database. This variant has not been reported in the literature in individuals affected with TYK2-related conditions. ClinVar contains an entry for this variant (Variation ID: 1008007). Advanced modeling of protein sequence and biophysical properties (such as structural, functional, and spatial information, amino acid conservation, physicochemical variation, residue mobility, and thermodynamic stability) performed at Invitae indicates that this missense variant is not expected to disrupt TYK2 protein function. In summary, the available evidence is currently insufficient to determine the role of this variant in disease. Therefore, it has been classified as a Variant of Uncertain Significance.